The following is an entry in ClinVar:

NM_001999.4(FBN2):c.2908C>T (p.Arg970Cys)

Gene: FBN2 (fibrillin 2; minus strand). Cytogenetic location: 5q23.3.
Variant type: single nucleotide variant.
Coding change: c.2908C>T on transcript NM_001999.4 (MANE Select); coding-DNA position 2908, C replaced by T.
Protein change: p.Arg970Cys; replaces arginine 970 with cysteine.
Molecular consequence: missense variant.
Genome position (GRCh38, 1-based): chr5:128,349,428, G>A on the plus strand (C>T on the coding strand, the complement: FBN2 is on the minus strand). VCF-style: chr5-128349428-G-A. GRCh37 (hg19) VCF-style: chr5-127685120-G-A.
Other names: short protein forms R970C.
Identifiers: ClinVar variation 3849192 (VCV003849192.1).

ClinVar aggregate classification (germline): Uncertain significance (1 of 4 stars; one submission).

Conditions:
Familial thoracic aortic aneurysm and aortic dissection (TAAD). Also called: Thoracic aortic aneurysms and dissections. Identifiers: Orphanet 91387, MedGen C4707243, MONDO:0019625.

gnomAD v4.1: 5 of 1,613,904 alleles (0.00031%); highest among the groups gnomAD compares: Non-Finnish European, 0.00034%; no homozygotes.

Submission:

Ambry Genetics
Classification: Uncertain significance for Familial thoracic aortic aneurysm and aortic dissection. Last evaluated: 2025-01-28. Review status: criteria provided, single submitter. Criteria: Ambry Variant Classification Scheme 2023. Collection method: clinical testing. Allele origin: germline.
Comment: The p.R970C variant (also known as c.2908C>T), located in coding exon 23 of the FBN2 gene, results from a C to T substitution at nucleotide position 2908. The arginine at codon 970 is replaced by cysteine, an amino acid with highly dissimilar properties. This amino acid position is not well conserved in available vertebrate species. In addition, the in silico prediction for this alteration is inconclusive. Based on the available evidence, the clinical significance of this variant remains unclear.